The following is an entry in ClinVar:

NM_014314.4(RIGI):c.647A>G (p.Asp216Gly)

Gene: RIGI (RNA sensor RIG-I; minus strand). Cytogenetic location: 9p21.1.
Variant type: single nucleotide variant.
Coding change: c.647A>G on transcript NM_014314.4 (MANE Select); coding-DNA position 647, A replaced by G.
Protein change: p.Asp216Gly; replaces aspartic acid 216 with glycine.
Molecular consequence: missense variant.
Genome position (GRCh38, 1-based): chr9:32,491,345, T>C on the plus strand (A>G on the coding strand, the complement: RIGI is on the minus strand). VCF-style: chr9-32491345-T-C. GRCh37 (hg19) VCF-style: chr9-32491343-T-C.
Other names: c.647A>G, p.Asp216Gly (NM_001385907.1, NM_001385909.1); c.206A>G, p.Asp69Gly (NM_001385910.1, NM_001385914.1); c.38A>G, p.Asp13Gly (NM_001385912.1); c.632A>G, p.Asp211Gly (NM_001385913.1); short protein forms D211G, D13G, D216G, D69G.
Identifiers: ClinVar variation 2024488 (VCV002024488.4), dbSNP rs2489336708, ClinGen allele CA373160930.
Genomic context (GRCh38, chr9:32,491,345, plus strand): 5'-AAACAATACCAGGTACCTGAAGGTGGACATGAATTCTCACTAAGATTCTGGCATTCTGGA[T>C]CTTCTTGGTAGAAAATCTGTATGTCAGAAGTTTCCATCTTATCCTCAAGATCTTCTGTTT-3'
Protein context (NP_055129.2, residues 206-226): TSDIQIFYQE[Asp216Gly]PECQNLSENS

ClinVar aggregate classification (germline): Uncertain significance (1 of 4 stars; one submission).

Submission:

Labcorp Genetics (formerly Invitae), Labcorp
Classification: Uncertain significance. Last evaluated: 2022-08-17. Review status: criteria provided, single submitter. Criteria: Invitae Variant Classification Sherloc (09022015). Collection method: clinical testing. Allele origin: germline.
Comment: This variant is not present in population databases (gnomAD no frequency). This variant has not been reported in the literature in individuals affected with DDX58-related conditions. Algorithms developed to predict the effect of missense changes on protein structure and function are either unavailable or do not agree on the potential impact of this missense change (SIFT: "Deleterious"; PolyPhen-2: "Benign"; Align-GVGD: "Class C0"). In summary, the available evidence is currently insufficient to determine the role of this variant in disease. Therefore, it has been classified as a Variant of Uncertain Significance. This sequence change replaces aspartic acid, which is acidic and polar, with glycine, which is neutral and non-polar, at codon 216 of the DDX58 protein (p.Asp216Gly).